The following is an entry in ClinVar:

NM_001271.4(CHD2):c.3142C>A (p.Pro1048Thr)

Gene: CHD2 (chromodomain helicase DNA binding protein 2; plus strand). Cytogenetic location: 15q26.1.
Variant type: single nucleotide variant.
Coding change: c.3142C>A on transcript NM_001271.4 (MANE Select); coding-DNA position 3142, C replaced by A.
Protein change: p.Pro1048Thr; replaces proline 1048 with threonine.
Molecular consequence: missense variant.
Genome position (GRCh38, 1-based): chr15:92,984,405, C>A. VCF-style: chr15-92984405-C-A. GRCh37 (hg19) VCF-style: chr15-93527635-C-A.
Other names: short protein forms P1048T.
Identifiers: ClinVar variation 3623994 (VCV003623994.2).
Genomic context (GRCh38, chr15:92,984,405, plus strand): 5'-ACAATGGAAGATGAAGAAGAGCTAGAAGAGCGTCCTCACAAGGACTGGGATGAGATCATT[C>A]CAGAGGAACAAAGGAAAAAAGTAGAGGAGGAAGAGCGGCAGAAGGAGCTAGAAGAAATTT-3'
Protein context (NP_001262.3, residues 1038-1058): RPHKDWDEII[Pro1048Thr]EEQRKKVEEE

ClinVar aggregate classification (germline): Uncertain significance (1 of 4 stars; one submission).

Conditions:
Developmental and epileptic encephalopathy 94 (DEE94). Also called: CHD2-Related Neurodevelopmental Disorders; Epileptic encephalopathy, childhood-onset. Identifiers: Orphanet 1942, Orphanet 2382, MedGen C3809278, MONDO:0014150, OMIM 615369.

Submission:

Labcorp Genetics (formerly Invitae), Labcorp
Classification: Uncertain significance for Developmental and epileptic encephalopathy 94. Last evaluated: 2024-05-02. Review status: criteria provided, single submitter. Criteria: Invitae Variant Classification Sherloc (09022015). Collection method: clinical testing. Allele origin: germline.
Comment: This sequence change replaces proline, which is neutral and non-polar, with threonine, which is neutral and polar, at codon 1048 of the CHD2 protein (p.Pro1048Thr). This variant is not present in population databases (gnomAD no frequency). This missense change has been observed in individual(s) with CHD2-related conditions (Invitae). Advanced modeling of protein sequence and biophysical properties (such as structural, functional, and spatial information, amino acid conservation, physicochemical variation, residue mobility, and thermodynamic stability) has been performed at Invitae for this missense variant, however the output from this modeling did not meet the statistical confidence thresholds required to predict the impact of this variant on CHD2 protein function. In summary, the available evidence is currently insufficient to determine the role of this variant in disease. Therefore, it has been classified as a Variant of Uncertain Significance.